The following is an entry in ClinVar:

ClinVar aggregate classification (germline): Conflicting classifications of pathogenicity. Review status: criteria provided, conflicting classifications (1 of 4 stars). 5 submissions from 5 submitters: Uncertain significance (2); Benign (1); Likely benign (1). 1 of the submissions does not count toward it. Last evaluated 2026-04-11.

Conditions:
Inborn genetic diseases. Identifiers: MedGen C0950123, MeSH D030342.
Nemaline myopathy 2 (NEM2). Also called: Nemaline myopathy 2, autosomal recessive. Identifiers: MedGen C1850569, MONDO:0009725, OMIM 256030.

Allele frequency attached by ClinVar (database versions not stated): gnomAD 0.00021 and 0.00019; ExAC 0.00022; 1000 Genomes Project 0.00040; ESP Exome Variant Server 0.00008; gnomAD exomes 0.00009 and 0.00016; TOPMed 0.00023; 1000 Genomes Project 30x 0.00031.
gnomAD v4.1: 181 of 1,613,700 alleles (0.011%); highest among the groups gnomAD compares: East Asian, 0.13%; 1 homozygote.

Submissions (5):

Ambry Genetics
Classification: Uncertain significance for Inborn genetic diseases. Last evaluated: 2026-04-11. Review status: criteria provided, single submitter. Criteria: Ambry Variant Classification Scheme 2023. Collection method: clinical testing. Allele origin: germline.

Labcorp Genetics (formerly Invitae), Labcorp
Classification: Benign for Nemaline myopathy 2. Last evaluated: 2026-01-26. Review status: criteria provided, single submitter. Criteria: Invitae Variant Classification Sherloc (09022015). Collection method: clinical testing. Allele origin: germline.

Mayo Clinic Laboratories, Mayo Clinic
Classification: Uncertain significance. Last evaluated: 2025-03-14. Review status: criteria provided, single submitter. Criteria: ACMG Guidelines, 2015. Collection method: clinical testing. Allele origin: germline. Observed: 1 variant allele.
Comment: BP4_moderate

GeneDx
Classification: Likely benign. Last evaluated: 2020-10-07. Review status: criteria provided, single submitter. Criteria: GeneDx Variant Classification Process June 2021. Collection method: clinical testing. Allele origin: germline. Affected: yes.

Natera, Inc.
Classification: Uncertain significance for Nemaline myopathy type 2. Last evaluated: 2020-01-17. Review status: no assertion criteria provided. Collection method: clinical testing. Allele origin: germline. Not counted in ClinVar's aggregate classification.

NM_001164508.2(NEB):c.19675G>A (p.Val6559Ile)

Gene: NEB (nebulin; minus strand). Cytogenetic location: 2q23.3.
Variant type: single nucleotide variant.
Coding change: c.19675G>A on transcript NM_001164508.2 (MANE Select); coding-DNA position 19675, G replaced by A.
Protein change: p.Val6559Ile; replaces valine 6559 with isoleucine.
Molecular consequence: missense variant.
Genome position (GRCh38, 1-based): chr2:151,553,454, C>T on the plus strand (G>A on the coding strand, the complement: NEB is on the minus strand). VCF-style: chr2-151553454-C-T. GRCh37 (hg19) VCF-style: chr2-152409968-C-T.
Other names: p.Val6559Ile; c.14572G>A (NM_004543.4); c.19675G>A, p.Val6559Ile (NM_001164507.2, NM_001271208.2); c.14572G>A, p.Val4858Ile (NM_004543.5); short protein forms V4858I, V6559I.
Identifiers: ClinVar variation 644636 (VCV000644636.18), dbSNP rs189232206, ClinGen allele CA1907568.
Genomic context (GRCh38, chr2:151,553,454, plus strand): 5'-TCACATCATCACGTAGATCATAAGCATGCTTGGCATGGAGGATTTCAGGAGTGTCCCAGA[C>T]GTAGCAACCAATGCCTTTCAGCCAGTTGAGGTCATCCTTGTATACAATCTAGAGGGTTTT-3'
Protein context (NP_001157980.2, residues 6549-6569): LNWLKGIGCY[Val6559Ile]WDTPEILHAK